The following is an entry in ClinVar:

NM_012154.5(AGO2):c.995A>C (p.Gln332Pro)

Genes: AGO2 (argonaute RISC catalytic component 2; minus strand), LOC126860544 (MED14-independent group 3 enhancer GRCh37_chr8:141567119-141568318; plus strand). Cytogenetic location: 8q24.3.
Variant type: single nucleotide variant.
Coding change: c.995A>C on transcript NM_012154.5 (MANE Select); coding-DNA position 995, A replaced by C.
Protein change: p.Gln332Pro; replaces glutamine 332 with proline.
Molecular consequence: missense variant.
Genome position (GRCh38, 1-based): chr8:140,557,120, T>G on the plus strand (A>C on the coding strand, the complement: AGO2 is on the minus strand). VCF-style: chr8-140557120-T-G. GRCh37 (hg19) VCF-style: chr8-141567219-T-G.
Other names: c.995A>C, p.Gln332Pro (NM_001164623.3); short protein forms Q332P.
Identifiers: ClinVar variation 3364087 (VCV003364087.2).

ClinVar aggregate classification (germline): Uncertain significance (1 of 4 stars; one submission).

Submission:

GeneDx
Classification: Uncertain significance. Last evaluated: 2025-08-01. Review status: criteria provided, single submitter. Criteria: GeneDx Variant Classification Process June 2021. Collection method: clinical testing. Allele origin: germline.
Comment: Not observed at significant frequency in large population cohorts (gnomAD); In silico analysis supports that this missense variant has a deleterious effect on protein structure/function; Has not been previously published as pathogenic or benign to our knowledge